The following is an entry in ClinVar:

ClinVar aggregate classification (germline): Uncertain significance (1 of 4 stars; one submission).

Conditions:
LAMA2-related muscular dystrophy (LAMA2-RD). Also called: Laminin alpha 2-related dystrophy. Identifiers: MedGen C5679788, MONDO:0100228.

Submission:

Labcorp Genetics (formerly Invitae), Labcorp
Classification: Uncertain significance for LAMA2-related muscular dystrophy. Last evaluated: 2022-10-05. Review status: criteria provided, single submitter. Criteria: Invitae Variant Classification Sherloc (09022015). Collection method: clinical testing. Allele origin: germline.
Comment: In summary, the available evidence is currently insufficient to determine the role of this variant in disease. Therefore, it has been classified as a Variant of Uncertain Significance. Advanced modeling of protein sequence and biophysical properties (such as structural, functional, and spatial information, amino acid conservation, physicochemical variation, residue mobility, and thermodynamic stability) performed at Invitae indicates that this missense variant is not expected to disrupt LAMA2 protein function. ClinVar contains an entry for this variant (Variation ID: 1393309). This variant has not been reported in the literature in individuals affected with LAMA2-related conditions. This variant is not present in population databases (gnomAD no frequency). This sequence change replaces serine, which is neutral and polar, with threonine, which is neutral and polar, at codon 2235 of the LAMA2 protein (p.Ser2235Thr).

NM_000426.4(LAMA2):c.6703T>A (p.Ser2235Thr)

Gene: LAMA2 (laminin subunit alpha 2; plus strand). Cytogenetic location: 6q22.33.
Variant type: single nucleotide variant.
Coding change: c.6703T>A on transcript NM_000426.4 (MANE Select); coding-DNA position 6703, T replaced by A.
Protein change: p.Ser2235Thr; replaces serine 2235 with threonine.
Molecular consequence: missense variant.
Genome position (GRCh38, 1-based): chr6:129,454,284, T>A. VCF-style: chr6-129454284-T-A. GRCh37 (hg19) VCF-style: chr6-129775429-T-A.
Other names: c.6703T>A, p.Ser2235Thr (NM_001079823.2); short protein forms S2235T.
Identifiers: ClinVar variation 1393309 (VCV001393309.8), dbSNP rs2114791088, ClinGen allele CA365617390.